The following is an entry in ClinVar:

ClinVar aggregate classification (germline): Uncertain significance. Review status: criteria provided, multiple submitters, no conflicts (2 of 4 stars). 2 submissions from 2 submitters: Uncertain significance (2). Last evaluated 2025-12-31.

Conditions:
PEX14-related disorder. Also called: PEX14-related condition.
Peroxisome biogenesis disorder, complementation group K (CGK). Identifiers: MedGen C1866257, MONDO:0800365.

Allele frequency attached by ClinVar (database versions not stated): gnomAD exomes 0.00001; gnomAD 0.00002; TOPMed 0.00002.
gnomAD v4.1: 15 of 1,609,284 alleles (0.00093%); highest among the groups gnomAD compares: Non-Finnish European, 0.0013%; no homozygotes.

Submissions (2):

PreventionGenetics, part of Exact Sciences
Classification: Uncertain significance for PEX14-related condition. Last evaluated: 2025-12-31. Review status: criteria provided, single submitter. Criteria: ACMG Guidelines, 2015. Collection method: clinical testing. Allele origin: germline.
Comment: The PEX14 c.14A>G variant is predicted to result in the amino acid substitution p.Glu5Gly. To our knowledge, this variant has not been reported in the literature. This variant is reported in 0.0019% of alleles in individuals of European (Non-Finnish) descent in gnomAD. At this time, the clinical significance of this variant is uncertain due to the absence of conclusive functional and genetic evidence.

Labcorp Genetics (formerly Invitae), Labcorp
Classification: Uncertain significance for Peroxisome biogenesis disorder, complementation group K. Last evaluated: 2022-06-27. Review status: criteria provided, single submitter. Criteria: Invitae Variant Classification Sherloc (09022015). Collection method: clinical testing. Allele origin: germline.
Comment: This sequence change replaces glutamic acid, which is acidic and polar, with glycine, which is neutral and non-polar, at codon 5 of the PEX14 protein (p.Glu5Gly). This variant is not present in population databases (gnomAD no frequency). This variant has not been reported in the literature in individuals affected with PEX14-related conditions. ClinVar contains an entry for this variant (Variation ID: 1042634). Algorithms developed to predict the effect of missense changes on protein structure and function are either unavailable or do not agree on the potential impact of this missense change (SIFT: "Tolerated"; PolyPhen-2: "Not Available"; Align-GVGD: "Class C0"). In summary, the available evidence is currently insufficient to determine the role of this variant in disease. Therefore, it has been classified as a Variant of Uncertain Significance.

NM_004565.3(PEX14):c.14A>G (p.Glu5Gly)

Gene: PEX14 (peroxisomal biogenesis factor 14; plus strand). Cytogenetic location: 1p36.22.
Variant type: single nucleotide variant.
Coding change: c.14A>G on transcript NM_004565.3 (MANE Select); coding-DNA position 14, A replaced by G.
Protein change: p.Glu5Gly; replaces glutamic acid 5 with glycine.
Molecular consequence: missense variant.
Genome position (GRCh38, 1-based): chr1:10,474,980, A>G. VCF-style: chr1-10474980-A-G. GRCh37 (hg19) VCF-style: chr1-10535037-A-G.
Other names: c.14A>G (NM_004565.2); short protein forms E5G.
Identifiers: ClinVar variation 1042634 (VCV001042634.8), dbSNP rs932921080, ClinGen allele CA17905353.